The following is an entry in ClinVar:

ClinVar aggregate classification (germline): Uncertain significance. Review status: criteria provided, multiple submitters, no conflicts (2 of 4 stars). 3 submissions from 3 submitters: Uncertain significance (3). Last evaluated 2024-12-19.

Conditions:
Hereditary cancer-predisposing syndrome. Also called: Tumor predisposition; Hereditary Cancer Syndrome; Hereditary neoplastic syndrome; Neoplastic Syndromes, Hereditary. Identifiers: Orphanet 140162, MedGen C0027672, MeSH D009386, MONDO:0015356.
Intellectual disability, autosomal dominant 16 (CSS4). Also called: COFFIN-SIRIS SYNDROME 4. Identifiers: Orphanet 1465, MedGen C3553249, MONDO:0013821, OMIM 614609.
Rhabdoid tumor predisposition syndrome 2 (RTPS2). Identifiers: Orphanet 231108, Orphanet 69077, MedGen C2750074, MONDO:0013224, OMIM 613325.

Allele frequency attached by ClinVar (database versions not stated): TOPMed below 0.00001; gnomAD 0.00001.
gnomAD v4.1: 1 of 1,612,622 alleles (0.000062%); highest among the groups gnomAD compares: African/African-American, 0.0013%; no homozygotes.

Submissions (3):

Ambry Genetics
Classification: Uncertain significance for Hereditary cancer-predisposing syndrome. Last evaluated: 2024-12-19. Review status: criteria provided, single submitter. Criteria: Ambry Variant Classification Scheme 2023. Collection method: clinical testing. Allele origin: germline.
Comment: The p.P22L variant (also known as c.65C>T), located in coding exon 1 of the SMARCA4 gene, results from a C to T substitution at nucleotide position 65. The proline at codon 22 is replaced by leucine, an amino acid with similar properties. This amino acid position is highly conserved in available vertebrate species. In addition, the in silico prediction for this alteration is inconclusive. Missense and in-frame variants in SMARCA4 are known to cause neurodevelopmental disorders; however, such associations with rhabdoid tumor predisposition syndrome including small cell carcinoma of the ovary-hypercalcemic type (SCCOHT) are exceedingly rare (Kosho T et al. Am J Med Genet C Semin Med Genet. 2014 Sep;166C(3):262-75; Jelinic P et al. Nat Genet. 2014 May;46(5):424-6). Based on the supporting evidence, the association of this alteration with Coffin-Siris syndrome is unknown; however, the association of this alteration with rhabdoid tumor predisposition syndrome is unlikely.

Labcorp Genetics (formerly Invitae), Labcorp
Classification: Uncertain significance for Rhabdoid tumor predisposition syndrome 2. Last evaluated: 2024-08-05. Review status: criteria provided, single submitter. Criteria: Invitae Variant Classification Sherloc (09022015). Collection method: clinical testing. Allele origin: germline.
Comment: This sequence change replaces proline, which is neutral and non-polar, with leucine, which is neutral and non-polar, at codon 22 of the SMARCA4 protein (p.Pro22Leu). This variant is not present in population databases (gnomAD no frequency). This variant has not been reported in the literature in individuals affected with SMARCA4-related conditions. ClinVar contains an entry for this variant (Variation ID: 486459). Advanced modeling of protein sequence and biophysical properties (such as structural, functional, and spatial information, amino acid conservation, physicochemical variation, residue mobility, and thermodynamic stability) has been performed at Invitae for this missense variant, however the output from this modeling did not meet the statistical confidence thresholds required to predict the impact of this variant on SMARCA4 protein function. In summary, the available evidence is currently insufficient to determine the role of this variant in disease. Therefore, it has been classified as a Variant of Uncertain Significance.

Genome-Nilou Lab
Classification: Uncertain significance for Intellectual disability, autosomal dominant 16. Last evaluated: 2021-07-15. Review status: criteria provided, single submitter. Criteria: ACMG Guidelines, 2015. Collection method: clinical testing. Allele origin: germline. Affected: no.

NM_003072.5(SMARCA4):c.65C>T (p.Pro22Leu)

Gene: SMARCA4 (SWI/SNF related BAF chromatin remodeling complex subunit ATPase 4; plus strand). Cytogenetic location: 19p13.2.
Variant type: single nucleotide variant.
Coding change: c.65C>T on transcript NM_003072.5 (MANE Select); coding-DNA position 65, C replaced by T.
Protein change: p.Pro22Leu; replaces proline 22 with leucine.
Molecular consequence: missense variant. On other transcripts: non-coding transcript variant (1).
Genome position (GRCh38, 1-based): chr19:10,984,216, C>T. VCF-style: chr19-10984216-C-T. GRCh37 (hg19) VCF-style: chr19-11094892-C-T.
Other names: c.65C>T, p.Pro22Leu (NM_001128844.3, NM_001128845.2, NM_001128846.2 and 5 more transcripts); short protein forms P22L.
Identifiers: ClinVar variation 486459 (VCV000486459.18), dbSNP rs1227659334, ClinGen allele CA404054046.
Genomic context (GRCh38, chr19:10,984,216, plus strand): 5'-CCACTCCAGACCCACCCCTGGGCGGAACTCCTCGGCCAGGTCCTTCCCCGGGCCCTGGCC[C>T]TTCCCCTGGAGCCATGCTGGGCCCTAGCCCGGGTCCCTCGCCGGGCTCCGCCCACAGCAT-3'
Protein context (NP_003063.2, residues 12-32): PRPGPSPGPG[Pro22Leu]SPGAMLGPSP